The following is an entry in ClinVar:

NM_006096.4(NDRG1):c.1178_1180del (p.Ser393del)

Gene: NDRG1 (N-myc downstream regulated 1; minus strand). Cytogenetic location: 8q24.22.
Variant type: Deletion.
Coding change: c.1178_1180del on transcript NM_006096.4 (MANE Select); coding-DNA positions 1178 to 1180, 3 bases deleted (CCT; older notation c.1178_1180delCCT).
Protein change: p.Ser393del; deletes serine 393.
Molecular consequence: inframe deletion.
Genome position (GRCh38, 1-based): chr8:133,238,883-133,238,885, AGG deleted on the plus strand (CCT on the coding strand, the reverse complement: NDRG1 is on the minus strand); deleting any 3 consecutive bases within chr8:133,238,883-133,238,887 gives the same sequence; the c. name uses the placement nearest the transcript's 3' end. VCF-style (leftmost placement, unchanged base first): chr8-133238882-CAGG-C. GRCh37 (hg19) VCF-style: chr8-134251125-CAGG-C.
Other names: c.1178_1180del, p.Ser393del (NM_001135242.2, NM_001374845.1, NM_001374846.1); c.980_982del, p.Ser327del (NM_001258432.2, NM_001374847.1); c.935_937del, p.Ser312del (NM_001258433.2); c.1229_1231del, p.Ser410del (NM_001374844.1); short protein forms S327del, S393del, S312del, S410del.
Identifiers: ClinVar variation 944773 (VCV000944773.8), dbSNP rs745669327, ClinGen allele CA4886400.
Genomic context (GRCh38, chr8:133,238,882, plus strand): 5'-GGAGGAGGGGGCCACTACAGAGATCAGAGTCCGGGGGCGGCAGCTGGGCAGGCCGCCTAG[CAGG>C]AGACCTCCATGGACTTGGGCCCGGCGCTGTTCCCAGCAGCACCCGAGTTGGGGGTGATGT-3'

ClinVar aggregate classification (germline): Uncertain significance. Review status: criteria provided, single submitter (1 of 4 stars). 2 submissions from 2 submitters: Uncertain significance (1). 1 of the submissions does not count toward it. Last evaluated 2022-08-16.

Conditions:
Charcot-Marie-Tooth disease type 4D. Also called: NEUROPATHY, HEREDITARY MOTOR AND SENSORY, LOM TYPE; CHARCOT-MARIE-TOOTH DISEASE, DEMYELINATING, AUTOSOMAL RECESSIVE, TYPE 4D; CHARCOT-MARIE-TOOTH DISEASE, DEMYELINATING, TYPE 4D; Charcot-Marie-Tooth Neuropathy Type 4D. Identifiers: Orphanet 99950, MedGen C1832334, MONDO:0011085, OMIM 601455.
Charcot-Marie-Tooth disease type 4. Also called: Charcot-Marie-Tooth, Type 4; Charcot-Marie-Tooth disease, type IV. Identifiers: Orphanet 64749, MedGen C4082197, MONDO:0018995.

Submissions (2):

Labcorp Genetics (formerly Invitae), Labcorp
Classification: Uncertain significance for Charcot-Marie-Tooth disease type 4. Last evaluated: 2022-08-16. Review status: criteria provided, single submitter. Criteria: Invitae Variant Classification Sherloc (09022015). Collection method: clinical testing. Allele origin: germline.
Comment: This variant, c.1178_1180del, results in the deletion of 1 amino acid(s) of the NDRG1 protein (p.Ser393del), but otherwise preserves the integrity of the reading frame. This variant is present in population databases (rs745669327, gnomAD 0.003%). This variant has not been reported in the literature in individuals affected with NDRG1-related conditions. ClinVar contains an entry for this variant (Variation ID: 944773). Experimental studies and prediction algorithms are not available or were not evaluated, and the functional significance of this variant is currently unknown. In summary, the available evidence is currently insufficient to determine the role of this variant in disease. Therefore, it has been classified as a Variant of Uncertain Significance.

Natera, Inc.
Classification: Uncertain significance for Charcot-Marie-Tooth disease type 4D. Last evaluated: 2020-11-17. Review status: no assertion criteria provided. Collection method: clinical testing. Allele origin: germline. Not counted in ClinVar's aggregate classification.